The following is an entry in ClinVar:

NM_001943.5(DSG2):c.756T>G (p.Pro252=)

Gene: DSG2 (desmoglein 2; plus strand). Cytogenetic location: 18q12.1.
Variant type: single nucleotide variant.
Coding change: c.756T>G on transcript NM_001943.5 (MANE Select); coding-DNA position 756, T replaced by G.
Protein change: p.Pro252=; no amino-acid change (proline 252 retained).
Molecular consequence: synonymous variant.
Genome position (GRCh38, 1-based): chr18:31,524,513, T>G. VCF-style: chr18-31524513-T-G. GRCh37 (hg19) VCF-style: chr18-29104476-T-G.
Identifiers: ClinVar variation 2826400 (VCV002826400.3), dbSNP rs2510912645, ClinGen allele CA503599038.

ClinVar aggregate classification (germline): Uncertain significance (1 of 4 stars; one submission).

Conditions:
Arrhythmogenic right ventricular dysplasia 10. Also called: Arrhythmogenic right ventricular dysplasia/cardiomyopathy, type 10; Arrhythmogenic Right Ventricular Dysplasia/Cardiomyopathy10; ARRHYTHMOGENIC RIGHT VENTRICULAR DYSPLASIA, FAMILIAL, 10. Identifiers: MedGen C1857777, MONDO:0012434, OMIM 610193.

Submission:

Labcorp Genetics (formerly Invitae), Labcorp
Classification: Uncertain significance for Arrhythmogenic right ventricular dysplasia 10. Last evaluated: 2023-03-14. Review status: criteria provided, single submitter. Criteria: Invitae Variant Classification Sherloc (09022015). Collection method: clinical testing. Allele origin: germline.
Comment: In summary, the available evidence is currently insufficient to determine the role of this variant in disease. Therefore, it has been classified as a Variant of Uncertain Significance. Algorithms developed to predict the effect of sequence changes on RNA splicing suggest that this variant may create or strengthen a splice site. This variant has not been reported in the literature in individuals affected with DSG2-related conditions. This variant is not present in population databases (gnomAD no frequency). This sequence change affects codon 252 of the DSG2 mRNA. It is a 'silent' change, meaning that it does not change the encoded amino acid sequence of the DSG2 protein.